The following is an entry in ClinVar:

NM_012281.3(KCND2):c.110G>A (p.Arg37Lys)

Gene: KCND2 (potassium voltage-gated channel subfamily D member 2; plus strand). Cytogenetic location: 7q31.31.
Variant type: single nucleotide variant.
Coding change: c.110G>A on transcript NM_012281.3 (MANE Select); coding-DNA position 110, G replaced by A.
Protein change: p.Arg37Lys; replaces arginine 37 with lysine.
Molecular consequence: missense variant.
Genome position (GRCh38, 1-based): chr7:120,274,742, G>A. VCF-style: chr7-120274742-G-A. GRCh37 (hg19) VCF-style: chr7-119914796-G-A.
Other names: short protein forms R37K.
Identifiers: ClinVar variation 4689892 (VCV004689892.1).
Genomic context (GRCh38, chr7:120,274,742, plus strand): 5'-TCGGGTGGATGCCTGTGGCCTCGGGGCCTATGCCGGCTCCCCCGAGGCAGGAGAGGAAAA[G>A]GACCCAAGATGCTCTCATTGTGCTGAATGTGAGTGGCACCCGCTTCCAGACGTGGCAGGA-3'
Protein context (NP_036413.1, residues 27-47): MPAPPRQERK[Arg37Lys]TQDALIVLNV

ClinVar aggregate classification (germline): Uncertain significance (1 of 4 stars; one submission).

gnomAD v4.1: 1 of 1,614,046 alleles (0.000062%); highest among the groups gnomAD compares: African/African-American, 0.0013%; no homozygotes.

Submission:

GeneDx
Classification: Uncertain significance. Last evaluated: 2025-07-27. Review status: criteria provided, single submitter. Criteria: GeneDx Variant Classification Process June 2021. Collection method: clinical testing. Allele origin: germline. Affected: yes.
Comment: Not observed at significant frequency in large population cohorts (gnomAD); In silico analysis suggests that this missense variant does not alter protein structure/function; Has not been previously published as pathogenic or benign to our knowledge